The following is an entry in ClinVar:

NM_152305.3(POGLUT1):c.358G>A (p.Gly120Arg)

Gene: POGLUT1 (protein O-glucosyltransferase 1; plus strand). Cytogenetic location: 3q13.33.
Variant type: single nucleotide variant.
Coding change: c.358G>A on transcript NM_152305.3 (MANE Select); coding-DNA position 358, G replaced by A.
Protein change: p.Gly120Arg; replaces glycine 120 with arginine.
Molecular consequence: missense variant. On other transcripts: non-coding transcript variant (1).
Genome position (GRCh38, 1-based): chr3:119,477,350, G>A. VCF-style: chr3-119477350-G-A. GRCh37 (hg19) VCF-style: chr3-119196197-G-A.
Other names: c.358G>A, p.Gly120Arg (NM_020231.3); short protein forms G120R.
Identifiers: ClinVar variation 2723419 (VCV002723419.3), dbSNP rs757112530, ClinGen allele CA2554826.

ClinVar aggregate classification (germline): Uncertain significance (1 of 4 stars; one submission).

Allele frequency attached by ClinVar (database versions not stated): TOPMed below 0.00001; ExAC 0.00002.
gnomAD v4.1: 12 of 1,613,880 alleles (0.00074%); highest among the groups gnomAD compares: Middle Eastern, 0.017%; no homozygotes.

Submission:

Labcorp Genetics (formerly Invitae), Labcorp
Classification: Uncertain significance. Last evaluated: 2024-10-02. Review status: criteria provided, single submitter. Criteria: Invitae Variant Classification Sherloc (09022015). Collection method: clinical testing. Allele origin: germline.
Comment: This sequence change replaces glycine, which is neutral and non-polar, with arginine, which is basic and polar, at codon 120 of the POGLUT1 protein (p.Gly120Arg). This variant is present in population databases (rs757112530, gnomAD 0.006%). This variant has not been reported in the literature in individuals affected with POGLUT1-related conditions. Invitae Evidence Modeling of protein sequence and biophysical properties (such as structural, functional, and spatial information, amino acid conservation, physicochemical variation, residue mobility, and thermodynamic stability) indicates that this missense variant is not expected to disrupt POGLUT1 protein function with a negative predictive value of 80%. In summary, the available evidence is currently insufficient to determine the role of this variant in disease. Therefore, it has been classified as a Variant of Uncertain Significance.